The following is an entry in ClinVar:

ClinVar aggregate classification (germline): Likely pathogenic. Review status: reviewed by expert panel (3 of 4 stars). 2 submissions from 2 submitters: Likely pathogenic (1). 1 of the submissions does not count toward it. Last evaluated 2026-01-14.

Conditions:
Glycogen storage disease, type II (IOPD). Also called: CARDIOMEGALIA GLYCOGENICA DIFFUSA; GLYCOGENOSIS, GENERALIZED, CARDIAC FORM; GSD II; POMPE DISEASE, INFANTILE-ONSET; GLYCOGEN STORAGE DISEASE II, INFANTILE-ONSET; ACID ALPHA-GLUCOSIDASE DEFICIENCY, INFANTILE-ONSET. Identifiers: Orphanet 365, MedGen C0017921, MONDO:0009290, OMIM 232300.

Submissions (2):

ClinGen Lysosomal Storage Disorder Variant Curation Expert Panel
Classification: Likely pathogenic for Glycogen storage disease, type II. Last evaluated: 2026-01-14. Review status: reviewed by expert panel. Criteria: clingen_lsd_acmg_specifications_v2-1. Collection method: curation. Allele origin: germline. Inheritance: Autosomal recessive inheritance.
Comment: The NM_000152.5:c.1670T>G variant in GAA is a missense variant predicted to cause substitution of isoleucine by serine at amino acid 557 (p.Ile557Ser). One patient with clinically asymptomatic Pompe disease, persistent elevated creatine kinase, abnormal muscle MRI, and <10% normal mean GAA activity in muscle has been reported (PMID:26474166, presumably the same patient is reported in PMID:31342611, 40813881, Cardiogenetics 2024, 14, 38–50) (PP4_Moderate). This patient is compound heterozygous for the variant and another variant that has been classified by the ClinGen LD VCEP as pathogenic for Pompe disease, c.-32-13T>G (ClinVar Variation ID: 4027), phase unknown (PMID: 26474166, 31342611, 40813881; Cardiogenetics 2024, 14, 38–50), 0.5 points (PM3_Supporting). The variant is not in gnomAD v4.1.0. (PM2_Supporting). The computational predictor REVEL gives a score of 0.746 which is above the threshold of 0.7, evidence that correlates with impact to GAA function (PP3). Another missense variant in the same codon, c.1669A>T (p.Ile557Phe) (ClinVar Variation ID: 558634; PMID 23884227), has been classified as pathogenic for Pompe disease by the ClinGen LD VCEP (PM5). In summary, this variant meets the criteria to be classified as likely pathogenic for Pompe disease. GAA-specific ACMG/AMP criteria applied, as specified by the ClinGen Lysosomal Diseases Variant Curation Expert Panel (Specifications Version 2.0.0): PM5, PP4_Moderate, PM3_Supporting, PP3, PM2_Supporting. (Classification approved by the ClinGen Lysosomal Diseases Variant Curation Expert Panel on January 14, 2026)

Genomenon, Inc
Classification: Likely pathogenic for Glycogen storage disease, type II. Last evaluated: 2026-07-01. Review status: criteria provided, single submitter. Criteria: Genomenon Sequence Variant Interpretation Standards - Updated. Collection method: curation. Allele origin: germline. Affected: yes. Not counted in ClinVar's aggregate classification.
Comment: GAA p.Ile557Ser (c.1670T>G) is a missense variant that changes the amino acid at codon 557 from Isoleucine to Serine. This variant has been observed in at least one proband with a GAA-related disorder in the compound heterozygous and/or homozygous state (PMID:40813881;26474166). It is absent or not present at a significant frequency in gnomAD. In silico models predict that this variant is possibly or probably damaging. In conclusion, we classify GAA p.Ile557Ser (c.1670T>G) as a likely pathogenic variant.

Literature cited by the submitters: PubMed 40813881 (cited by Genomenon, Inc); PubMed 26474166 (cited by Genomenon, Inc).

NM_000152.5(GAA):c.1670T>G (p.Ile557Ser)

Gene: GAA (alpha glucosidase; plus strand). Cytogenetic location: 17q25.3.
Variant type: single nucleotide variant.
Coding change: c.1670T>G on transcript NM_000152.5 (MANE Select); coding-DNA position 1670, T replaced by G.
Protein change: p.Ile557Ser; replaces isoleucine 557 with serine.
Molecular consequence: missense variant.
Genome position (GRCh38, 1-based): chr17:80,112,016, T>G. VCF-style: chr17-80112016-T-G. GRCh37 (hg19) VCF-style: chr17-78085815-T-G.
Other names: NM_001079804.3:c.1670T>G; c.1670T>G, p.Ile557Ser (NM_001079803.3, NM_001079804.3); short protein forms I557S.
Identifiers: ClinVar variation 1693547 (VCV001693547.3), dbSNP rs1408164312, ClinGen allele CA401368920.
Genomic context (GRCh38, chr17:80,112,016, plus strand): 5'-CTGGAAACCAGCCCCCGCCTCTTCCAGGGGTGGTTGGGGGGACCCTCCAGGCGGCCACCA[T>G]CTGTGCCTCCAGCCACCAGTTTCTCTCCACACACTACAACCTGCACAACCTCTACGGCCT-3'
Protein context (NP_000143.2, residues 547-567): VVGGTLQAAT[Ile557Ser]CASSHQFLST